The following is an entry in ClinVar:

ClinVar aggregate classification (germline): Likely pathogenic (1 of 4 stars; one submission).

Conditions:
Cystic fibrosis (CF). Also called: MUCOVISCIDOSIS. Identifiers: Orphanet 586, MedGen C0010674, MONDO:0009061, OMIM 219700. Disease mechanism: loss of function.

Submission:

Women's Health and Genetics/Laboratory Corporation of America, LabCorp
Classification: Likely pathogenic for Cystic fibrosis. Last evaluated: 2024-09-10. Review status: criteria provided, single submitter. Criteria: LabCorp Variant Classification Summary - May 2015. Collection method: clinical testing. Allele origin: germline.
Comment: Variant summary: The variant involves the duplication of exons 4-17 in the CFTR gene. A presumed nomenclature of c.(273+1_274-1)_(2908+1_2909-1)dup has been designated for the purposes of this classification. It is assumed to be a tandem duplication in direct orientation (PMIDs: 25640679, 30054569). This Copy Number Variant (CNV) is expected to alter the reading frame and predicted to result in a truncation or absence of the encoded protein due to nonsense mediated decay (NMD). The variant was absent in 21694 control chromosomes in the gnomAD database (Structural Variants v2.1 dataset). The available data on variant occurrences in the general population are insufficient to allow any conclusion about variant significance. To our knowledge, no occurrence of c.(273+1_274-1)_(2908+1_2909-1)dup in individuals affected with Cystic Fibrosis and no experimental evidence demonstrating its impact on protein function have been reported. ClinVar contains entries for similar variants (Variation IDs: 1527386, 1510967). Based on the evidence outlined above, the variant was classified as likely pathogenic.

NC_000007.13:g.(117149197_117170952)_(117243837_117246727)dup

Gene: CFTR (CF transmembrane conductance regulator; plus strand). Cytogenetic location: 7q31.2.
Variant type: Duplication.
Identifiers: ClinVar variation 2506209 (VCV002506209.2).